The following is an entry in ClinVar:

ClinVar aggregate classification (germline): Uncertain significance (1 of 4 stars; one submission).

Allele frequency attached by ClinVar (database versions not stated): TOPMed below 0.00001.
gnomAD v4.1: 5 of 1,613,550 alleles (0.00031%); highest among the groups gnomAD compares: Non-Finnish European, 0.00042%; no homozygotes.

Submission:

Labcorp Genetics (formerly Invitae), Labcorp
Classification: Uncertain significance. Last evaluated: 2021-10-08. Review status: criteria provided, single submitter. Criteria: Invitae Variant Classification Sherloc (09022015). Collection method: clinical testing. Allele origin: germline.
Comment: This variant has not been reported in the literature in individuals affected with MPDZ-related conditions. In summary, the available evidence is currently insufficient to determine the role of this variant in disease. Therefore, it has been classified as a Variant of Uncertain Significance. Algorithms developed to predict the effect of missense changes on protein structure and function (SIFT, PolyPhen-2, Align-GVGD) all suggest that this variant is likely to be disruptive. This variant is not present in population databases (ExAC no frequency). This sequence change replaces leucine with tryptophan at codon 1055 of the MPDZ protein (p.Leu1055Trp). The leucine residue is highly conserved and there is a small physicochemical difference between leucine and tryptophan.

NM_001378778.1(MPDZ):c.3164T>G (p.Leu1055Trp)

Gene: MPDZ (multiple PDZ domain crumbs cell polarity complex component; minus strand). Cytogenetic location: 9p23.
Variant type: single nucleotide variant.
Coding change: c.3164T>G on transcript NM_001378778.1 (MANE Select); coding-DNA position 3164, T replaced by G.
Protein change: p.Leu1055Trp; replaces leucine 1055 with tryptophan.
Molecular consequence: missense variant.
Genome position (GRCh38, 1-based): chr9:13,168,456, A>C on the plus strand (T>G on the coding strand, the complement: MPDZ is on the minus strand). VCF-style: chr9-13168456-A-C. GRCh37 (hg19) VCF-style: chr9-13168455-A-C.
Other names: c.3164T>G, p.Leu1055Trp (NM_001261406.2, NM_001261407.2, NM_001330637.2 and 14 more transcripts); short protein forms L1055W.
Identifiers: ClinVar variation 1462651 (VCV001462651.6), dbSNP rs1951365266, ClinGen allele CA372933604.